The following is an entry in ClinVar:

NM_005732.4(RAD50):c.1649A>G (p.Glu550Gly)

Gene: RAD50 (RAD50 double strand break repair protein; plus strand). Cytogenetic location: 5q31.1.
Variant type: single nucleotide variant.
Coding change: c.1649A>G on transcript NM_005732.4 (MANE Select); coding-DNA position 1649, A replaced by G.
Protein change: p.Glu550Gly; replaces glutamic acid 550 with glycine.
Molecular consequence: missense variant.
Genome position (GRCh38, 1-based): chr5:132,591,890, A>G. VCF-style: chr5-132591890-A-G. GRCh37 (hg19) VCF-style: chr5-131927582-A-G.
Other names: short protein forms E550G.
Identifiers: ClinVar variation 1718485 (VCV001718485.6), dbSNP rs776286539, ClinGen allele CA3405227.

ClinVar aggregate classification (germline): Uncertain significance (1 of 4 stars; one submission).

Conditions:
Hereditary cancer-predisposing syndrome. Also called: Hereditary neoplastic syndrome; Neoplastic Syndromes, Hereditary; Hereditary Cancer Syndrome; Tumor predisposition. Identifiers: Orphanet 140162, MedGen C0027672, MeSH D009386, MONDO:0015356.

Allele frequency attached by ClinVar (database versions not stated): gnomAD exomes below 0.00001; ExAC 0.00001.
gnomAD v4.1: 1 of 1,605,036 alleles (0.000062%); highest among the groups gnomAD compares: East Asian, 0.0022%; no homozygotes.

Submission:

Labcorp Genetics (formerly Invitae), Labcorp
Classification: Uncertain significance for Hereditary cancer-predisposing syndrome. Last evaluated: 2022-09-01. Review status: criteria provided, single submitter. Criteria: Invitae Variant Classification Sherloc (09022015). Collection method: clinical testing. Allele origin: germline.
Comment: Algorithms developed to predict the effect of missense changes on protein structure and function are either unavailable or do not agree on the potential impact of this missense change (SIFT: "Deleterious"; PolyPhen-2: "Benign"; Align-GVGD: "Class C0"). In summary, the available evidence is currently insufficient to determine the role of this variant in disease. Therefore, it has been classified as a Variant of Uncertain Significance. This sequence change replaces glutamic acid, which is acidic and polar, with glycine, which is neutral and non-polar, at codon 550 of the RAD50 protein (p.Glu550Gly). This variant is not present in population databases (gnomAD no frequency). This variant has not been reported in the literature in individuals affected with RAD50-related conditions.